The following is an entry in ClinVar:

ClinVar aggregate classification (germline): Uncertain significance (1 of 4 stars; one submission).

Conditions:
Wilms tumor 1 (WT1). Also called: Wilms tumor, somatic. Identifiers: Orphanet 654, MedGen CN033288, MONDO:0008679, OMIM 194070.

Allele frequency attached by ClinVar (database versions not stated): ExAC 0.00001.

Submission:

Labcorp Genetics (formerly Invitae), Labcorp
Classification: Uncertain significance for Wilms tumor 1. Last evaluated: 2023-07-31. Review status: criteria provided, single submitter. Criteria: Invitae Variant Classification Sherloc (09022015). Collection method: clinical testing. Allele origin: germline.
Comment: In summary, the available evidence is currently insufficient to determine the role of this variant in disease. Therefore, it has been classified as a Variant of Uncertain Significance. Advanced modeling of protein sequence and biophysical properties (such as structural, functional, and spatial information, amino acid conservation, physicochemical variation, residue mobility, and thermodynamic stability) has been performed at Invitae for this missense variant, however the output from this modeling did not meet the statistical confidence thresholds required to predict the impact of this variant on GPC3 protein function. ClinVar contains an entry for this variant (Variation ID: 1013637). This variant has not been reported in the literature in individuals affected with GPC3-related conditions. This variant is not present in population databases (gnomAD no frequency). This sequence change replaces lysine, which is basic and polar, with glutamine, which is neutral and polar, at codon 101 of the GPC3 protein (p.Lys101Gln).

NM_004484.4(GPC3):c.301A>C (p.Lys101Gln)

Gene: GPC3 (glypican 3; minus strand). Cytogenetic location: Xq26.2.
Variant type: single nucleotide variant.
Coding change: c.301A>C on transcript NM_004484.4 (MANE Select); coding-DNA position 301, A replaced by C.
Protein change: p.Lys101Gln; replaces lysine 101 with glutamine.
Molecular consequence: missense variant. On other transcripts: intron variant (2).
Genome position (GRCh38, 1-based): chrX:133,953,086, T>G on the plus strand (A>C on the coding strand, the complement: GPC3 is on the minus strand). VCF-style: chrX-133953086-T-G. GRCh37 (hg19) VCF-style: chrX-133087113-T-G.
Other names: c.301A>C, p.Lys101Gln (NM_001164617.2); c.175+32189A>C (NM_001164619.2); c.289+12A>C (NM_001164618.2); short protein forms K101Q.
Identifiers: ClinVar variation 1013637 (VCV001013637.7), dbSNP rs766042778, ClinGen allele CA10520862.
Genomic context (GRCh38, chrX:133,953,086, plus strand): 5'-TCTAAAATAATCCCCAGAACTCACCTTGGAAAACCGCAGCATTCTGAATAATTAAGAACT[T>G]GAGCTCCATACTTGCAGACTGAAGCAGCTGTTCCATGTTCAATCGTGCTGTTAGTTGGTA-3'
Protein context (NP_004475.1, residues 91-111): QLLQSASMEL[Lys101Gln]FLIIQNAAVF